The following is an entry in ClinVar:

NM_003172.4(SURF1):c.37G>A (p.Ala13Thr)

Gene: SURF1 (SURF1 cytochrome c oxidase assembly factor; minus strand). Cytogenetic location: 9q34.2.
Variant type: single nucleotide variant.
Coding change: c.37G>A on transcript NM_003172.4 (MANE Select); coding-DNA position 37, G replaced by A.
Protein change: p.Ala13Thr; replaces alanine 13 with threonine.
Molecular consequence: missense variant. On other transcripts: 5 prime UTR variant (1).
Genome position (GRCh38, 1-based): chr9:133,356,417, C>T on the plus strand (G>A on the coding strand, the complement: SURF1 is on the minus strand). VCF-style: chr9-133356417-C-T. GRCh37 (hg19) VCF-style: chr9-136223293-C-T.
Other names: c.-239G>A (NM_001280787.1); short protein forms A13T.
Identifiers: ClinVar variation 4681057 (VCV004681057.1).

ClinVar aggregate classification (germline): Uncertain significance (1 of 4 stars; one submission).

gnomAD v4.1: 1 of 1,333,632 alleles (0.000075%); highest among the groups gnomAD compares: South Asian, 0.0017%; no homozygotes.

Submission:

GeneDx
Classification: Uncertain significance. Last evaluated: 2025-07-01. Review status: criteria provided, single submitter. Criteria: GeneDx Variant Classification Process June 2021. Collection method: clinical testing. Allele origin: germline. Affected: yes.
Comment: Not observed at significant frequency in large population cohorts (gnomAD); In silico analysis suggests that this missense variant does not alter protein structure/function; Has not been previously published as pathogenic or benign to our knowledge